The following is an entry in ClinVar:

NM_021999.5(ITM2B):c.148AGA[1] (p.Arg51del)

Gene: ITM2B (integral membrane protein 2B; plus strand). Cytogenetic location: 13q14.2.
Variant type: Microsatellite.
Coding change: c.148AGA[1] on transcript NM_021999.5 (MANE Select); one copy of the 3-base unit AGA starting at c.148; the reference has two copies in a row; one copy, 3 bases deleted.
Protein change: p.Arg51del; deletes arginine 51.
Molecular consequence: inframe deletion.
Genome position (GRCh38, 1-based): chr13:48,253,841-48,253,843, AGA deleted; deleting any 3 consecutive bases within chr13:48,253,837-48,253,843 gives the same sequence; the position shown is the placement nearest the transcript's 3' end. VCF-style (leftmost placement, unchanged base first): chr13-48253836-AAAG-A. GRCh37 (hg19) VCF-style: chr13-48827972-AAAG-A.
Other names: short protein forms R51del.
Identifiers: ClinVar variation 2861620 (VCV002861620.3), dbSNP rs770194883, ClinGen allele CA6978710.

ClinVar aggregate classification (germline): Uncertain significance (1 of 4 stars; one submission).

Submission:

Labcorp Genetics (formerly Invitae), Labcorp
Classification: Uncertain significance. Last evaluated: 2024-05-23. Review status: criteria provided, single submitter. Criteria: Invitae Variant Classification Sherloc (09022015). Collection method: clinical testing. Allele origin: germline.
Comment: This variant, c.151_153del, results in the deletion of 1 amino acid(s) of the ITM2B protein (p.Arg51del), but otherwise preserves the integrity of the reading frame. This variant is present in population databases (rs770194883, gnomAD 0.006%). This variant has not been reported in the literature in individuals affected with ITM2B-related conditions. Experimental studies and prediction algorithms are not available or were not evaluated, and the functional significance of this variant is currently unknown. In summary, the available evidence is currently insufficient to determine the role of this variant in disease. Therefore, it has been classified as a Variant of Uncertain Significance.